The following is an entry in ClinVar:

NM_018669.6(WDR4):c.265C>T (p.Arg89Cys)

Gene: WDR4 (WDR4 tRNA N7-guanosine methyltransferase non-catalytic subunit; minus strand). Cytogenetic location: 21q22.3.
Variant type: single nucleotide variant.
Coding change: c.265C>T on transcript NM_018669.6 (MANE Select); coding-DNA position 265, C replaced by T.
Protein change: p.Arg89Cys; replaces arginine 89 with cysteine.
Molecular consequence: missense variant. On other transcripts: non-coding transcript variant (1), intron variant (3).
Genome position (GRCh38, 1-based): chr21:42,873,582, G>A on the plus strand (C>T on the coding strand, the complement: WDR4 is on the minus strand). VCF-style: chr21-42873582-G-A. GRCh37 (hg19) VCF-style: chr21-44293692-G-A.
Other names: c.265C>T (NM_018669.4); c.265C>T, p.Arg89Cys (NM_001260474.2, NM_033661.5); c.-143+21C>T (NM_001260476.2, NM_001260475.2, NM_001260477.2); short protein forms R89C.
Identifiers: ClinVar variation 1974898 (VCV001974898.6), dbSNP rs372260209, ClinGen allele CA10046210.
Genomic context (GRCh38, chr21:42,873,582, plus strand): 5'-CTTAAGAATCCAGCGTTAGCATCTCATACCTGACACTCAGACATTGCCATGGTTTTGTAC[G>A]GAAAAGAATCAGACGCTTACTGTCATCGGTTAAAGCAAAATAGCTGCCAGACTTGGAGAA-3'
Protein context (NP_061139.2, residues 79-99): TDDSKRLILF[Arg89Cys]TKPWQCLSVR

ClinVar aggregate classification (germline): Uncertain significance. Review status: criteria provided, multiple submitters, no conflicts (2 of 4 stars). 2 submissions from 2 submitters: Uncertain significance (2). Last evaluated 2025-10-22.

Conditions:
Inborn genetic diseases. Identifiers: MedGen C0950123, MeSH D030342.

Allele frequency attached by ClinVar (database versions not stated): ExAC 0.00002; gnomAD 0.00003; TOPMed 0.00003; ESP Exome Variant Server 0.00008.
gnomAD v4.1: 26 of 1,614,034 alleles (0.0016%); highest among the groups gnomAD compares: East Asian, 0.022%; no homozygotes.

Submissions (2):

Ambry Genetics
Classification: Uncertain significance for Inborn genetic diseases. Last evaluated: 2025-10-22. Review status: criteria provided, single submitter. Criteria: Ambry Variant Classification Scheme 2023. Collection method: clinical testing. Allele origin: germline.

Labcorp Genetics (formerly Invitae), Labcorp
Classification: Uncertain significance. Last evaluated: 2022-03-20. Review status: criteria provided, single submitter. Criteria: Invitae Variant Classification Sherloc (09022015). Collection method: clinical testing. Allele origin: germline.
Comment: Algorithms developed to predict the effect of sequence changes on RNA splicing suggest that this variant may disrupt the consensus splice site. In summary, the available evidence is currently insufficient to determine the role of this variant in disease. Therefore, it has been classified as a Variant of Uncertain Significance. Algorithms developed to predict the effect of missense changes on protein structure and function are either unavailable or do not agree on the potential impact of this missense change (SIFT: "Deleterious"; PolyPhen-2: "Benign"; Align-GVGD: "Class C15"). This variant has not been reported in the literature in individuals affected with WDR4-related conditions. This variant is present in population databases (rs372260209, gnomAD 0.008%). This sequence change replaces arginine, which is basic and polar, with cysteine, which is neutral and slightly polar, at codon 89 of the WDR4 protein (p.Arg89Cys).